The following is an entry in ClinVar:

ClinVar aggregate classification (germline): Pathogenic/Likely pathogenic. Review status: criteria provided, multiple submitters, no conflicts (2 of 4 stars). 10 submissions from 10 submitters: Pathogenic (7); Likely pathogenic (2). 1 of the submissions does not count toward it. Last evaluated 2026-01-20.

Conditions:
GNPTG-related disorder. Also called: GNPTG-related condition.
Retinal dystrophy. Also called: Inherited retinal dystrophy. Identifiers: Orphanet 71862, MedGen C0854723, MeSH D058499, MONDO:0019118, HP:0000556.
GNPTG-mucolipidosis. Also called: MUCOLIPIDOSIS III, COMPLEMENTATION GROUP C; MUCOLIPIDOSIS III, IRANIAN VARIANT FORM; MUCOLIPIDOSIS III, VARIANT FORM; ML III GAMMA; ML IIIC; Mucolipidosis type III gamma. Identifiers: Orphanet 423470, Orphanet 577, MedGen C1854896, MONDO:0009652, OMIM 252605.
Rod-cone dystrophy. Identifiers: MedGen C4551714, HP:0000510.

Submissions (10):

Labcorp Genetics (formerly Invitae), Labcorp
Classification: Pathogenic. Last evaluated: 2026-01-20. Review status: criteria provided, single submitter. Criteria: Invitae Variant Classification Sherloc (09022015). Collection method: clinical testing. Allele origin: germline.
Comment: This variant, c.347_349del, results in the deletion of 1 amino acid(s) of the GNPTG protein (p.Asn116del), but otherwise preserves the integrity of the reading frame. This variant is present in population databases (rs774681948, gnomAD 0.02%). This variant has been observed in individuals with mucolipidosis type III (PMID: 15532026, 19370764, 29170090). It has also been observed to segregate with disease in related individuals. ClinVar contains an entry for this variant (Variation ID: 21715). Algorithms developed to predict the effect of variants on gene product structure and function are not available or were not evaluated for this variant. Experimental studies have shown that this variant affects GNPTG function (PMID: 15532026). For these reasons, this variant has been classified as Pathogenic.

Natera, Inc.
Classification: Pathogenic for Mucolipidosis III gamma. Last evaluated: 2025-12-10. Review status: criteria provided, single submitter. Criteria: Natera Variant Classification Schema (03/2026). Collection method: clinical testing. Allele origin: germline.
Comment: The c.347_349delACA variant in GNPTG is an in-frame deletion predicted to remove asparagine at amino acid 116 while preserving the reading frame. This variant is rare in the general population with a frequency below the threshold expected for the associated phenotype(s). This variant has been observed in one or more individuals affected with the associated recessive disease, as either homozygous or compound heterozygous with a second variant (PMID: 15532026, 19370764, 37752499). Additionally, this variant has been observed to segregate in affected family members (PMID: 15532026). This variant results in a change to the protein length while preserving reading frame, which may disrupt normal protein structure or function. Computational prediction algorithms indicate this variant is likely to affect gene or protein function. Given the available evidence, this variant is classified as Pathogenic.

Blueprint Genetics
Classification: Likely pathogenic for GNPTG-related disorders. Last evaluated: 2024-09-03. Review status: criteria provided, single submitter. Criteria: ACMG Guidelines, 2015. Collection method: clinical testing. Allele origin: germline. Affected: yes. Observed: 5 variant alleles.

Genomic Medicine Center of Excellence, King Faisal Specialist Hospital and Research Centre
Classification: Pathogenic for GNPTG-mucolipidosis. Last evaluated: 2024-03-25. Review status: criteria provided, single submitter. Criteria: ACMG Guidelines, 2015. Collection method: research. Allele origin: germline.

Fulgent Genetics
Classification: Likely pathogenic for GNPTG-mucolipidosis. Last evaluated: 2024-03-14. Review status: criteria provided, single submitter. Criteria: ACMG Guidelines, 2015. Collection method: clinical testing. Allele origin: germline.

Laboratory of Medical Genetics, National & Kapodistrian University of Athens
Classification: Pathogenic for GNPTG-mucolipidosis. Last evaluated: 2024-02-01. Review status: criteria provided, single submitter. Criteria: ACMG Guidelines, 2015. Collection method: curation. Allele origin: germline. Affected: no.

Clinical Genetics and Genomics, Karolinska University Hospital
Classification: Pathogenic for Rod-cone dystrophy. Last evaluated: 2023-01-31. Review status: criteria provided, single submitter. Criteria: ACMG Guidelines, 2015. Collection method: clinical testing. Allele origin: germline. Inheritance: Autosomal recessive inheritance. Affected: yes.

Institute of Human Genetics, Univ. Regensburg, Univ. Regensburg
Classification: Pathogenic for Retinal dystrophy. Last evaluated: 2022-01-01. Review status: criteria provided, single submitter. Criteria: ACMG Guidelines, 2015. Collection method: clinical testing. Allele origin: germline. Affected: yes.

CeGaT Center for Human Genetics Tuebingen
Classification: Pathogenic. Last evaluated: 2017-04-01. Review status: criteria provided, single submitter. Criteria: CeGaT Center For Human Genetics Tuebingen Variant Classification Criteria Version 2. Collection method: clinical testing. Allele origin: germline. Affected: yes. Observed: 1 variant allele.

GeneReviews
No classification provided. Condition: GNPTG-mucolipidosis. Review status: no classification provided. Collection method: literature only. Allele origin: unknown. Not counted in ClinVar's aggregate classification.

Literature cited by the submitters: PubMed 15532026 (cited by 3 submitters); PubMed 19370764 (cited by Labcorp Genetics (formerly Invitae), Labcorp and Natera, Inc.); PubMed 29170090 (cited by Labcorp Genetics (formerly Invitae), Labcorp); PubMed 37752499 (cited by Natera, Inc.); PubMed 2917009 (cited by Institute of Human Genetics, Univ. Regensburg, Univ. Regensburg); PubMed 20301784 (cited by GeneReviews); NCBI Bookshelf NBK24701 (cited by GeneReviews).

NM_032520.5(GNPTG):c.344ACA[1] (p.Asn116del)

Gene: GNPTG (N-acetylglucosamine-1-phosphate transferase subunit gamma; plus strand). Cytogenetic location: 16p13.3.
Variant type: Microsatellite.
Coding change: c.344ACA[1] on transcript NM_032520.5 (MANE Select); one copy of the 3-base unit ACA starting at c.344; the reference has two copies in a row; one copy, 3 bases deleted; also written c.347_349del.
Protein change: p.Asn116del; deletes asparagine 116.
Molecular consequence: inframe deletion.
Genome position (GRCh38, 1-based): chr16:1,362,067-1,362,069, ACA deleted; deleting any 3 consecutive bases within chr16:1,362,062-1,362,069 gives the same sequence; the position shown is the placement nearest the transcript's 3' end. VCF-style (leftmost placement, unchanged base first): chr16-1362061-CCAA-C. GRCh37 (hg19) VCF-style: chr16-1412062-CCAA-C.
Other names: c.347_349del (NM_032520.4, NM_032520.5); short protein forms N116del.
Identifiers: ClinVar variation 21715 (VCV000021715.64), dbSNP rs193302849, ClinGen allele CA342404.